The following is an entry in ClinVar:

NM_000143.4(FH):c.1304T>C (p.Val435Ala)

Gene: FH (fumarate hydratase; minus strand). Cytogenetic location: 1q43.
Variant type: single nucleotide variant.
Coding change: c.1304T>C on transcript NM_000143.4 (MANE Select); coding-DNA position 1304, T replaced by C.
Protein change: p.Val435Ala; replaces valine 435 with alanine.
Molecular consequence: missense variant.
Genome position (GRCh38, 1-based): chr1:241,500,523, A>G on the plus strand (T>C on the coding strand, the complement: FH is on the minus strand). VCF-style: chr1-241500523-A-G. GRCh37 (hg19) VCF-style: chr1-241663823-A-G.
Other names: short protein forms V435A.
Identifiers: ClinVar variation 1524746 (VCV001524746.6), dbSNP rs982483795, ClinGen allele CA345436674.

ClinVar aggregate classification (germline): Uncertain significance (1 of 4 stars; one submission).

Submission:

Labcorp Genetics (formerly Invitae), Labcorp
Classification: Uncertain significance. Last evaluated: 2021-08-06. Review status: criteria provided, single submitter. Criteria: Invitae Variant Classification Sherloc (09022015). Collection method: clinical testing. Allele origin: germline.
Comment: In summary, the available evidence is currently insufficient to determine the role of this variant in disease. Therefore, it has been classified as a Variant of Uncertain Significance. Advanced modeling of protein sequence and biophysical properties (such as structural, functional, and spatial information, amino acid conservation, physicochemical variation, residue mobility, and thermodynamic stability) performed at Invitae indicates that this missense variant is expected to disrupt FH protein function. This variant has not been reported in the literature in individuals affected with FH-related conditions. This variant is not present in population databases (ExAC no frequency). This sequence change replaces valine with alanine at codon 435 of the FH protein (p.Val435Ala). The valine residue is highly conserved and there is a small physicochemical difference between valine and alanine.